The following is an entry in ClinVar:

NM_001283009.2(RTEL1):c.224G>A (p.Arg75Lys)

Genes: RTEL1 (regulator of telomere elongation helicase 1; plus strand), RTEL1-TNFRSF6B (RTEL1-TNFRSF6B readthrough (NMD candidate); plus strand). Cytogenetic location: 20q13.33.
Variant type: single nucleotide variant.
Coding change: c.224G>A on transcript NM_001283009.2 (MANE Select); coding-DNA position 224, G replaced by A.
Protein change: p.Arg75Lys; replaces arginine 75 with lysine.
Molecular consequence: missense variant. On other transcripts: non-coding transcript variant (1), 5 prime UTR variant (1).
Genome position (GRCh38, 1-based): chr20:63,661,419, G>A. VCF-style: chr20-63661419-G-A. GRCh37 (hg19) VCF-style: chr20-62292772-G-A.
Other names: c.-446G>A (NM_001283010.1); c.224G>A, p.Arg75Lys (NM_016434.4, NM_032957.5); short protein forms R75K.
Identifiers: ClinVar variation 3948351 (VCV003948351.1).

ClinVar aggregate classification (germline): Uncertain significance (1 of 4 stars; one submission).

Conditions:
Inborn genetic diseases. Identifiers: MedGen C0950123, MeSH D030342.

gnomAD v4.1: 12 of 1,613,796 alleles (0.00074%); highest among the groups gnomAD compares: Non-Finnish European, 0.00059%; no homozygotes.

Submission:

Ambry Genetics
Classification: Uncertain significance for Inborn genetic diseases. Last evaluated: 2025-04-24. Review status: criteria provided, single submitter. Criteria: Ambry Variant Classification Scheme 2023. Collection method: clinical testing. Allele origin: germline.
Comment: The p.R75K variant (also known as c.224G>A), located in coding exon 2 of the RTEL1 gene, results from a G to A substitution at nucleotide position 224. The arginine at codon 75 is replaced by lysine, an amino acid with highly similar properties. This amino acid position is conserved. In addition, the in silico prediction for this alteration is inconclusive. Based on the available evidence, the clinical significance of this variant remains unclear.